The following is an entry in ClinVar:

ClinVar aggregate classification (germline): Likely pathogenic (1 of 4 stars; one submission).

Conditions:
Neuronal ceroid lipofuscinosis 2. Also called: TPP1-Related Neuronal Ceroid-Lipofuscinosis; JANSKY-BIELSCHOWSKY DISEASE NEURONAL CEROID LIPOFUSCINOSIS, LATE INFANTILE. Identifiers: Orphanet 168491, Orphanet 228349, Orphanet 79264, MedGen C1876161, MONDO:0008769, OMIM 204500.

Submission:

Myriad Genetics, Inc.
Classification: Likely pathogenic for Neuronal ceroid lipofuscinosis 2. Last evaluated: 2022-03-17. Review status: criteria provided, single submitter. Criteria: Myriad Women's Health Autosomal Recessive and X-Linked Classification Criteria (2021). Collection method: clinical testing. Allele origin: unknown.
Comment: NM_000391.3(TPP1):c.904G>T(E302*) is expected to be pathogenic in the context of TPP1-related neuronal ceroid lipofuscinosis. This variant is predicted to lead to an abnormal or absent protein product due to the creation of a premature termination codon in TPP1, a gene where loss-of-function variants are known to be pathogenic. Please note: this variant was assessed in the context of healthy population screening.

NM_000391.4(TPP1):c.904G>T (p.Glu302Ter)

Gene: TPP1 (tripeptidyl peptidase 1; minus strand). Cytogenetic location: 11p15.4.
Variant type: single nucleotide variant.
Coding change: c.904G>T on transcript NM_000391.4 (MANE Select); coding-DNA position 904, G replaced by T.
Protein change: p.Glu302Ter; replaces glutamic acid 302 with a stop codon.
Molecular consequence: nonsense.
Genome position (GRCh38, 1-based): chr11:6,616,486, C>A on the plus strand (G>T on the coding strand, the complement: TPP1 is on the minus strand). VCF-style: chr11-6616486-C-A. GRCh37 (hg19) VCF-style: chr11-6637717-C-A.
Other names: short protein forms E302*.
Identifiers: ClinVar variation 1725375 (VCV001725375.2), dbSNP rs2493798476, ClinGen allele CA379474658.
Genomic context (GRCh38, chr11:6,616,486, plus strand): 5'-TATGCACATGTGGCAGGGCTGACTCATTACTGAGCAGCATGAGCCACTGCAGGAAGGGCT[C>A]CTGTCCCTCATGCCGGCCTGGATTTTTTTTTTTTTTTTTTTTGAGGGATGGGCACAAAGA-3'